The following is an entry in ClinVar:

NM_001134407.3(GRIN2A):c.1006C>T (p.Pro336Ser)

Gene: GRIN2A (glutamate ionotropic receptor NMDA type subunit 2A; minus strand). Cytogenetic location: 16p13.2.
Variant type: single nucleotide variant.
Coding change: c.1006C>T on transcript NM_001134407.3 (MANE Select); coding-DNA position 1006, C replaced by T.
Protein change: p.Pro336Ser; replaces proline 336 with serine.
Molecular consequence: missense variant.
Genome position (GRCh38, 1-based): chr16:9,937,960, G>A on the plus strand (C>T on the coding strand, the complement: GRIN2A is on the minus strand). VCF-style: chr16-9937960-G-A. GRCh37 (hg19) VCF-style: chr16-10031817-G-A.
Other names: p.P336S:CCA>TCA; c.1006C>T, p.Pro336Ser (NM_000833.5, NM_001134408.2); short protein forms P336S.
Identifiers: ClinVar variation 205646 (VCV000205646.14), dbSNP rs148511104, ClinGen allele CA314927.

ClinVar aggregate classification (germline): Benign/Likely benign. Review status: criteria provided, multiple submitters, no conflicts (2 of 4 stars). 5 submissions from 5 submitters: Benign (1); Likely benign (4). Last evaluated 2026-04-01.

Conditions:
Landau-Kleffner syndrome (FESD). Also called: EPILEPSY, FOCAL, WITH SPEECH DISORDER AND WITH OR WITHOUT MENTAL RETARDATION; APHASIA, ACQUIRED, WITH EPILEPSY. Identifiers: Orphanet 1945, Orphanet 725, Orphanet 98818, MedGen C0282512, MONDO:0009509, OMIM 245570.

Allele frequency attached by ClinVar (database versions not stated): TOPMed 0.00002; ESP Exome Variant Server 0.00008; gnomAD 0.00010.

Submissions (5):

CeGaT Center for Human Genetics Tuebingen
Classification: Likely benign. Last evaluated: 2026-04-01. Review status: criteria provided, single submitter. Criteria: CeGaT Center For Human Genetics Tuebingen Variant Classification Criteria Version 2. Collection method: clinical testing. Allele origin: germline. Affected: yes. Observed: 1 variant allele.
Comment: GRIN2A: BP4

Labcorp Genetics (formerly Invitae), Labcorp
Classification: Benign for Landau-Kleffner syndrome. Last evaluated: 2025-05-05. Review status: criteria provided, single submitter. Criteria: Invitae Variant Classification Sherloc (09022015). Collection method: clinical testing. Allele origin: germline.

Laboratory of Genetics, Children's Clinical University Hospital Latvia
Classification: Likely benign. Last evaluated: 2025-02-16. Review status: criteria provided, single submitter. Criteria: ACMG Guidelines, 2015. Collection method: clinical testing. Allele origin: germline. Affected: yes.

Blueprint Genetics
Classification: Likely benign. Last evaluated: 2022-12-14. Review status: criteria provided, single submitter. Criteria: ACMG Guidelines, 2015. Collection method: clinical testing. Allele origin: germline.

GeneDx
Classification: Likely benign. Last evaluated: 2021-02-26. Review status: criteria provided, single submitter. Criteria: GeneDx Variant Classification Process June 2021. Collection method: clinical testing. Allele origin: germline. Affected: yes.